The following is an entry in ClinVar:

ClinVar aggregate classification (germline): Pathogenic (1 of 4 stars; one submission).

Conditions:
Legius syndrome. Identifiers: Orphanet 137605, MedGen C1969623, MONDO:0012669, OMIM 611431. Disease mechanism: loss of function.

Submission:

Labcorp Genetics (formerly Invitae), Labcorp
Classification: Pathogenic for Legius syndrome. Last evaluated: 2024-08-06. Review status: criteria provided, single submitter. Criteria: Invitae Variant Classification Sherloc (09022015). Collection method: clinical testing. Allele origin: germline.
Comment: This sequence change creates a premature translational stop signal (p.Thr102Leufs*9) in the SPRED1 gene. It is expected to result in an absent or disrupted protein product. Loss-of-function variants in SPRED1 are known to be pathogenic (PMID: 17704776). This variant is not present in population databases (gnomAD no frequency). This variant has not been reported in the literature in individuals affected with SPRED1-related conditions. For these reasons, this variant has been classified as Pathogenic.

Literature cited by the submitters: PubMed 17704776.

NM_152594.3(SPRED1):c.304_334del (p.Thr102fs)

Gene: SPRED1 (sprouty related EVH1 domain containing 1; plus strand). Cytogenetic location: 15q14.
Variant type: Deletion.
Coding change: c.304_334del on transcript NM_152594.3 (MANE Select); coding-DNA positions 304 to 334, 31 bases deleted.
Protein change: p.Thr102fs; shifts the reading frame from threonine 102.
Molecular consequence: frameshift variant.
Genome position (GRCh38, 1-based): chr15:38,322,337-38,322,367, 31 bases deleted; deleting any 31 consecutive bases within chr15:38,322,334-38,322,367 gives the same sequence; the c. name uses the placement nearest the transcript's 3' end. GRCh37 (hg19): chr15:38,614,538-38,614,568.
Other names: short protein forms T102fs.
Identifiers: ClinVar variation 3661508 (VCV003661508.2).